The following is an entry in ClinVar:

ClinVar aggregate classification (germline): Uncertain significance. Review status: criteria provided, multiple submitters, no conflicts (2 of 4 stars). 2 submissions from 2 submitters: Uncertain significance (2). Last evaluated 2025-12-09.

Conditions:
Developmental and epileptic encephalopathy. Identifiers: MedGen C5779964, MONDO:0100620.

Submissions (2):

GeneDx
Classification: Uncertain significance. Last evaluated: 2025-12-09. Review status: criteria provided, single submitter. Criteria: GeneDx Variant Classification Process June 2021. Collection method: clinical testing. Allele origin: germline. Affected: yes.
Comment: Observed in apparent homozygous state in a patient with Leber congenital amaurosis in the literature; however, additional clinical information was not provided (PMID: 36011402); In silico analysis supports that this missense variant has a deleterious effect on protein structure/function; Not observed at significant frequency in large population cohorts (gnomAD); This variant is associated with the following publications: (PMID: 36011402)

Labcorp Genetics (formerly Invitae), Labcorp
Classification: Uncertain significance for Early-infantile DEE. Last evaluated: 2021-08-26. Review status: criteria provided, single submitter. Criteria: Invitae Variant Classification Sherloc (09022015). Collection method: clinical testing. Allele origin: germline.
Comment: This sequence change replaces glycine with aspartic acid at codon 836 of the CACNA2D2 protein (p.Gly836Asp). The glycine residue is highly conserved and there is a moderate physicochemical difference between glycine and aspartic acid. This variant is not present in population databases (ExAC no frequency). This variant has not been reported in the literature in individuals affected with CACNA2D2-related conditions. Algorithms developed to predict the effect of missense changes on protein structure and function (SIFT, PolyPhen-2, Align-GVGD) all suggest that this variant is likely to be disruptive. In summary, the available evidence is currently insufficient to determine the role of this variant in disease. Therefore, it has been classified as a Variant of Uncertain Significance.

NM_006030.4(CACNA2D2):c.2507G>A (p.Gly836Asp)

Genes: CACNA2D2 (calcium voltage-gated channel auxiliary subunit alpha2delta 2; minus strand), LOC101928965 (uncharacterized LOC101928965; plus strand), LOC127898564 (CYB561D2-LOC101928965; plus strand). Cytogenetic location: 3p21.31.
Variant type: single nucleotide variant.
Coding change: c.2507G>A on transcript NM_006030.4 (MANE Select); coding-DNA position 2507, G replaced by A.
Protein change: p.Gly836Asp; replaces glycine 836 with aspartic acid.
Molecular consequence: missense variant.
Genome position (GRCh38, 1-based): chr3:50,366,913, C>T on the plus strand (G>A on the coding strand, the complement: CACNA2D2 is on the minus strand). VCF-style: chr3-50366913-C-T. GRCh37 (hg19) VCF-style: chr3-50404344-C-T.
Other names: c.2507G>A, p.Gly836Asp (NM_001005505.3); c.2528G>A, p.Gly843Asp (NM_001174051.3); c.2300G>A, p.Gly767Asp (NM_001291101.1); short protein forms G767D, G836D, G843D.
Identifiers: ClinVar variation 1022552 (VCV001022552.6), dbSNP rs1704332560, ClinGen allele CA352911190.